The following is an entry in ClinVar:

ClinVar aggregate classification (germline): Uncertain significance (1 of 4 stars; one submission).

Conditions:
Autosomal recessive limb-girdle muscular dystrophy type 2D (LGMDR3). Also called: DUCHENNE-LIKE AUTOSOMAL RECESSIVE MUSCULAR DYSTROPHY, TYPE 2; MUSCULAR DYSTROPHY, LIMB-GIRDLE, AUTOSOMAL RECESSIVE 3; ADHALINOPATHY, PRIMARY. Identifiers: Orphanet 62, MedGen C2936332, MONDO:0011968, OMIM 608099. Disease mechanism: Affects gamma-sarcoglycan and also disrupts the integrity of the entire sarcoglycan complex..

Allele frequency attached by ClinVar (database versions not stated): gnomAD exomes below 0.00001 and 0.00001.
gnomAD v4.1: 16 of 1,607,668 alleles (0.001%); highest among the groups gnomAD compares: Non-Finnish European, 0.0014%; no homozygotes.

Submission:

Labcorp Genetics (formerly Invitae), Labcorp
Classification: Uncertain significance for Autosomal recessive limb-girdle muscular dystrophy type 2D. Last evaluated: 2021-08-27. Review status: criteria provided, single submitter. Criteria: Invitae Variant Classification Sherloc (09022015). Collection method: clinical testing. Allele origin: germline.
Comment: This sequence change replaces isoleucine with threonine at codon 337 of the SGCA protein (p.Ile337Thr). The isoleucine residue is moderately conserved and there is a moderate physicochemical difference between isoleucine and threonine. This variant is not present in population databases (ExAC no frequency). This variant has not been reported in the literature in individuals affected with SGCA-related conditions. Advanced modeling of protein sequence and biophysical properties (such as structural, functional, and spatial information, amino acid conservation, physicochemical variation, residue mobility, and thermodynamic stability) performed at Invitae indicates that this missense variant is expected to disrupt SGCA protein function. In summary, the available evidence is currently insufficient to determine the role of this variant in disease. Therefore, it has been classified as a Variant of Uncertain Significance.

NM_000023.4(SGCA):c.1010T>C (p.Ile337Thr)

Gene: SGCA (sarcoglycan alpha; plus strand). Cytogenetic location: 17q21.33.
Variant type: single nucleotide variant.
Coding change: c.1010T>C on transcript NM_000023.4 (MANE Select); coding-DNA position 1010, T replaced by C.
Protein change: p.Ile337Thr; replaces isoleucine 337 with threonine.
Molecular consequence: missense variant. On other transcripts: non-coding transcript variant (1).
Genome position (GRCh38, 1-based): chr17:50,175,283, T>C. VCF-style: chr17-50175283-T-C. GRCh37 (hg19) VCF-style: chr17-48252644-T-C.
Other names: c.638T>C, p.Ile213Thr (NM_001135697.3); short protein forms I213T, I337T.
Identifiers: ClinVar variation 1027186 (VCV001027186.2), dbSNP rs1353699486, ClinGen allele CA400183789.